The following is an entry in ClinVar:

NM_006346.4(PIBF1):c.1567C>A (p.His523Asn)

Gene: PIBF1 (progesterone immunomodulatory binding factor 1; plus strand). Cytogenetic location: 13q22.1.
Variant type: single nucleotide variant.
Coding change: c.1567C>A on transcript NM_006346.4 (MANE Select); coding-DNA position 1567, C replaced by A.
Protein change: p.His523Asn; replaces histidine 523 with asparagine.
Molecular consequence: missense variant. On other transcripts: non-coding transcript variant (2).
Genome position (GRCh38, 1-based): chr13:72,908,609, C>A. VCF-style: chr13-72908609-C-A. GRCh37 (hg19) VCF-style: chr13-73482747-C-A.
Other names: c.1654C>A, p.His552Asn (NM_001349655.2); short protein forms H552N, H523N.
Identifiers: ClinVar variation 774487 (VCV000774487.36), dbSNP rs115858628, ClinGen allele CA7002315.

ClinVar aggregate classification (germline): Benign/Likely benign. Review status: criteria provided, multiple submitters, no conflicts (2 of 4 stars). 4 submissions from 4 submitters: Benign (3); Likely benign (1). Last evaluated 2025-12-21.

Conditions:
Joubert syndrome 33. Identifiers: MedGen C4540389, MONDO:0033311, OMIM 617767.

Allele frequency attached by ClinVar (database versions not stated): 1000 Genomes Project 30x 0.00453; 1000 Genomes Project 0.00459; ExAC 0.00852; gnomAD exomes 0.00860 and 0.01402; gnomAD 0.00942 and 0.00971; TOPMed 0.01019; ESP Exome Variant Server 0.01123.
gnomAD v4.1: 21,759 of 1,612,218 alleles (1.3%); highest among the groups gnomAD compares: Non-Finnish European, 1.7%; 206 homozygotes.

Submissions (4):

Labcorp Genetics (formerly Invitae), Labcorp
Classification: Benign. Last evaluated: 2025-12-21. Review status: criteria provided, single submitter. Criteria: Invitae Variant Classification Sherloc (09022015). Collection method: clinical testing. Allele origin: germline.

CeGaT Center for Human Genetics Tuebingen
Classification: Benign. Last evaluated: 2024-07-01. Review status: criteria provided, single submitter. Criteria: CeGaT Center For Human Genetics Tuebingen Variant Classification Criteria Version 2. Collection method: clinical testing. Allele origin: germline. Affected: yes. Observed: 15 variant alleles.
Comment: PIBF1: BP4, BS1, BS2

Fulgent Genetics
Classification: Likely benign for Joubert syndrome 33. Last evaluated: 2022-02-09. Review status: criteria provided, single submitter. Criteria: ACMG Guidelines, 2015. Collection method: clinical testing. Allele origin: unknown.

Breakthrough Genomics
Classification: Benign. Review status: criteria provided, single submitter. Criteria: ACMG Guidelines, 2015. Collection method: not provided. Allele origin: germline. Inheritance: Autosomal recessive inheritance. Affected: yes.